The following is an entry in ClinVar:

ClinVar aggregate classification (germline): Conflicting classifications of pathogenicity. Review status: criteria provided, conflicting classifications (1 of 4 stars). 4 submissions from 4 submitters: Uncertain significance (3); Benign (1). Last evaluated 2025-11-25.

Conditions:
Inborn genetic diseases. Identifiers: MedGen C0950123, MeSH D030342.
SETX-related disorder. Also called: SETX-related disorders; SETX-related condition. Identifiers: MedGen CN239403.
Spinocerebellar ataxia, autosomal recessive, with axonal neuropathy 2 (SCAN2). Also called: Ataxia with Oculomotor Apraxia; ATAXIA-OCULOMOTOR APRAXIA 2; Ataxia-ocular apraxia-2; Ataxia with Oculomotor Apraxia Type 2. Identifiers: Orphanet 64753, MedGen C1853761, MONDO:0018996, OMIM 606002.
Amyotrophic lateral sclerosis type 4 (ALS4). Also called: NEURONOPATHY, DISTAL HEREDITARY MOTOR, WITH PYRAMIDAL FEATURES; AMYOTROPHIC LATERAL SCLEROSIS 4, JUVENILE. Identifiers: Orphanet 357043, MedGen C1865409, MONDO:0011223, OMIM 602433.

Allele frequency attached by ClinVar (database versions not stated): gnomAD exomes 0.00002 and 0.00006; ExAC 0.00005; ESP Exome Variant Server 0.00008; TOPMed 0.00021; gnomAD 0.00025 and 0.00026; 1000 Genomes Project 30x 0.00047; 1000 Genomes Project 0.00060.
gnomAD v4.1: 63 of 1,611,666 alleles (0.0039%); highest among the groups gnomAD compares: African/African-American, 0.075%; no homozygotes.

Submissions (4):

PreventionGenetics, part of Exact Sciences
Classification: Uncertain significance for SETX-related condition. Last evaluated: 2025-11-25. Review status: criteria provided, single submitter. Criteria: ACMG Guidelines, 2015. Collection method: clinical testing. Allele origin: germline.
Comment: The SETX c.2446A>G variant is predicted to result in the amino acid substitution p.Thr816Ala. To our knowledge, this variant has not been reported in the literature. This variant is reported in 0.073% of alleles in individuals of African descent in gnomAD, which is likely too common to be a primary cause of disease. Although we suspect that this variant may be benign, at this time, the clinical significance of this variant is uncertain due to the absence of conclusive functional and genetic evidence.

GeneDx
Classification: Uncertain significance. Last evaluated: 2024-02-22. Review status: criteria provided, single submitter. Criteria: GeneDx Variant Classification Process June 2021. Collection method: clinical testing. Allele origin: germline. Affected: yes.
Comment: In silico analysis supports that this missense variant does not alter protein structure/function; Has not been previously published as pathogenic or benign to our knowledge

Labcorp Genetics (formerly Invitae), Labcorp
Classification: Benign for Amyotrophic lateral sclerosis type 4; Spinocerebellar ataxia, autosomal recessive, with axonal neuropathy 2. Last evaluated: 2024-02-14. Review status: criteria provided, single submitter. Criteria: Invitae Variant Classification Sherloc (09022015). Collection method: clinical testing. Allele origin: germline.

Ambry Genetics
Classification: Uncertain significance for Inborn genetic diseases. Last evaluated: 2021-07-14. Review status: criteria provided, single submitter. Criteria: Ambry Variant Classification Scheme 2023. Collection method: clinical testing. Allele origin: germline.
Comment: The p.T816A variant (also known as c.2446A>G), located in coding exon 8 of the SETX gene, results from an A to G substitution at nucleotide position 2446. The threonine at codon 816 is replaced by alanine, an amino acid with similar properties. This amino acid position is conserved. In addition, this alteration is predicted to be tolerated by in silico analysis. Since supporting evidence is limited at this time, the clinical significance of this alteration remains unclear.

NM_015046.7(SETX):c.2446A>G (p.Thr816Ala)

Gene: SETX (senataxin; minus strand). Cytogenetic location: 9q34.13.
Variant type: single nucleotide variant.
Coding change: c.2446A>G on transcript NM_015046.7 (MANE Select); coding-DNA position 2446, A replaced by G.
Protein change: p.Thr816Ala; replaces threonine 816 with alanine.
Molecular consequence: missense variant.
Genome position (GRCh38, 1-based): chr9:132,329,152, T>C on the plus strand (A>G on the coding strand, the complement: SETX is on the minus strand). VCF-style: chr9-132329152-T-C. GRCh37 (hg19) VCF-style: chr9-135204539-T-C.
Other names: c.2446A>G, p.Thr816Ala (NM_001351527.2, NM_001351528.2); short protein forms T816A.
Identifiers: ClinVar variation 468493 (VCV000468493.13), dbSNP rs369470593, ClinGen allele CA5297590.